The following is an entry in ClinVar:

ClinVar aggregate classification (germline): Uncertain significance. Review status: criteria provided, multiple submitters, no conflicts (2 of 4 stars). 2 submissions from 2 submitters: Uncertain significance (2). Last evaluated 2026-03-12.

Conditions:
Dyskeratosis congenita, autosomal recessive 6 (DKCB6). Identifiers: MedGen C4225356, MONDO:0014600, OMIM 616353.
Pulmonary fibrosis and/or bone marrow failure, Telomere-related, 4. Also called: PULMONARY FIBROSIS AND/OR BONE MARROW FAILURE SYNDROME, TELOMERE-RELATED, 4. Identifiers: Orphanet 2032, MedGen C4225347, MONDO:0014612, OMIM 616371.
PARN-related disorder. Also called: PARN-related disorders; PARN-related condition.

Allele frequency attached by ClinVar (database versions not stated): TOPMed 0.00002.
gnomAD v4.1: 28 of 1,601,368 alleles (0.0017%); highest among the groups gnomAD compares: Admixed American, 0.017%; no homozygotes.

Submissions (2):

PreventionGenetics, part of Exact Sciences
Classification: Uncertain significance for PARN-related condition. Last evaluated: 2026-03-12. Review status: criteria provided, single submitter. Criteria: ACMG Guidelines, 2015. Collection method: clinical testing. Allele origin: germline.
Comment: The PARN c.1661G>A variant is predicted to result in the amino acid substitution p.Arg554His. To our knowledge, this variant has not been reported in the literature. This variant is reported in 0.016% of alleles in individuals of Latino descent in gnomAD. At this time, the clinical significance of this variant is uncertain due to the absence of conclusive functional and genetic evidence.

Labcorp Genetics (formerly Invitae), Labcorp
Classification: Uncertain significance for Dyskeratosis congenita, autosomal recessive 6; Pulmonary fibrosis and/or bone marrow failure, Telomere-related, 4. Last evaluated: 2024-08-31. Review status: criteria provided, single submitter. Criteria: Invitae Variant Classification Sherloc (09022015). Collection method: clinical testing. Allele origin: germline.
Comment: This sequence change replaces arginine, which is basic and polar, with histidine, which is basic and polar, at codon 554 of the PARN protein (p.Arg554His). This variant is present in population databases (rs372489171, gnomAD 0.02%). This variant has not been reported in the literature in individuals affected with PARN-related conditions. ClinVar contains an entry for this variant (Variation ID: 652926). An algorithm developed to predict the effect of missense changes on protein structure and function outputs the following: PolyPhen-2: "Benign". The histidine amino acid residue is found in multiple mammalian species, which suggests that this missense change does not adversely affect protein function. In summary, the available evidence is currently insufficient to determine the role of this variant in disease. Therefore, it has been classified as a Variant of Uncertain Significance.

NM_002582.4(PARN):c.1661G>A (p.Arg554His)

Gene: PARN (poly(A)-specific ribonuclease; minus strand). Cytogenetic location: 16p13.12.
Variant type: single nucleotide variant.
Coding change: c.1661G>A on transcript NM_002582.4 (MANE Select); coding-DNA position 1661, G replaced by A.
Protein change: p.Arg554His; replaces arginine 554 with histidine.
Molecular consequence: missense variant.
Genome position (GRCh38, 1-based): chr16:14,482,647, C>T on the plus strand (G>A on the coding strand, the complement: PARN is on the minus strand). VCF-style: chr16-14482647-C-T. GRCh37 (hg19) VCF-style: chr16-14576504-C-T.
Other names: c.1661G>A, p.Arg554His (LRG_1286t1); c.1478G>A, p.Arg493His (NM_001134477.3); c.1523G>A, p.Arg508His (NM_001242992.2); short protein forms R554H, R493H, R508H.
Identifiers: ClinVar variation 652926 (VCV000652926.8), dbSNP rs372489171, ClinGen allele CA7911972.
Genomic context (GRCh38, chr16:14,482,647, plus strand): 5'-AAGCCATTGCTAGAACTCTGGCCTTTTAAATTAACAGCTGAGAGCTCTTACCTATTGTTG[C>T]GGTAATAGTGATTCTGCAGGGTGTAGGGTATGCACTGGGGGTTTAACCGTTTGCTGTCAG-3'
Protein context (NP_002573.1, residues 544-564): IPYTLQNHYY[Arg554His]NNSFTAPSTV